The following is an entry in ClinVar:

NM_000701.8(ATP1A1):c.705C>G (p.Asn235Lys)

Gene: ATP1A1 (ATPase Na+/K+ transporting subunit alpha 1; plus strand). Cytogenetic location: 1p13.1.
Variant type: single nucleotide variant.
Coding change: c.705C>G on transcript NM_000701.8 (MANE Select); coding-DNA position 705, C replaced by G.
Protein change: p.Asn235Lys; replaces asparagine 235 with lysine.
Molecular consequence: missense variant.
Genome position (GRCh38, 1-based): chr1:116,388,970, C>G. VCF-style: chr1-116388970-C-G. GRCh37 (hg19) VCF-style: chr1-116931592-C-G.
Other names: c.705C>G, p.Asn235Lys (NM_001160233.2); c.612C>G, p.Asn204Lys (NM_001160234.2); short protein forms N204K, N235K.
Identifiers: ClinVar variation 1359714 (VCV001359714.8), dbSNP rs2101044687, ClinGen allele CA341842952.

ClinVar aggregate classification (germline): Uncertain significance (1 of 4 stars; one submission).

Submission:

Labcorp Genetics (formerly Invitae), Labcorp
Classification: Uncertain significance. Last evaluated: 2021-04-12. Review status: criteria provided, single submitter. Criteria: Invitae Variant Classification Sherloc (09022015). Collection method: clinical testing. Allele origin: germline.
Comment: In summary, the available evidence is currently insufficient to determine the role of this variant in disease. Therefore, it has been classified as a Variant of Uncertain Significance. Advanced modeling of protein sequence and biophysical properties (such as structural, functional, and spatial information, amino acid conservation, physicochemical variation, residue mobility, and thermodynamic stability) performed at Invitae indicates that this missense variant is not expected to disrupt ATP1A1 protein function. This variant has not been reported in the literature in individuals with ATP1A1-related conditions. This variant is not present in population databases (ExAC no frequency). This sequence change replaces asparagine with lysine at codon 235 of the ATP1A1 protein (p.Asn235Lys). The asparagine residue is highly conserved and there is a moderate physicochemical difference between asparagine and lysine.